The following is an entry in ClinVar:

NM_020320.5(RARS2):c.1415+1G>A

Gene: RARS2 (arginyl-tRNA synthetase 2, mitochondrial; minus strand). Cytogenetic location: 6q15.
Variant type: single nucleotide variant.
Coding change: c.1415+1G>A on transcript NM_020320.5 (MANE Select); the canonical splice donor site of the intron after coding-DNA position 1415, G replaced by A.
Molecular consequence: splice donor variant.
Genome position (GRCh38, 1-based): chr6:87,518,629, C>T on the plus strand (G>A on the coding strand, the complement: RARS2 is on the minus strand). VCF-style: chr6-87518629-C-T. GRCh37 (hg19) VCF-style: chr6-88228347-C-T.
Other names: c.1415+1G>A (NM_001350505.2); c.890+1G>A (NM_001350509.2, NM_001318785.2, NM_001350506.2 and 4 more transcripts).
Identifiers: ClinVar variation 2678273 (VCV002678273.5), dbSNP rs1317340252, ClinGen allele CA364921405.

ClinVar aggregate classification (germline): Likely pathogenic. Review status: criteria provided, multiple submitters, no conflicts (2 of 4 stars). 3 submissions from 3 submitters: Likely pathogenic (3). Last evaluated 2024-02-01.

Conditions:
Pontocerebellar hypoplasia type 6 (PCH6). Identifiers: Orphanet 166073, MedGen C1969084, MONDO:0012683, OMIM 611523.

Allele frequency attached by ClinVar (database versions not stated): TOPMed below 0.00001; gnomAD 0.00001.
gnomAD v4.1: 1 of 1,609,924 alleles (0.000062%); highest among the groups gnomAD compares: East Asian, 0.0022%; no homozygotes.

Submissions (3):

Fulgent Genetics
Classification: Likely pathogenic for Pontocerebellar hypoplasia type 6. Last evaluated: 2024-02-01. Review status: criteria provided, single submitter. Criteria: ACMG Guidelines, 2015. Collection method: clinical testing. Allele origin: germline.

Labcorp Genetics (formerly Invitae), Labcorp
Classification: Likely pathogenic. Last evaluated: 2023-05-27. Review status: criteria provided, single submitter. Criteria: Invitae Variant Classification Sherloc (09022015). Collection method: clinical testing. Allele origin: germline.
Comment: In summary, the currently available evidence indicates that the variant is pathogenic, but additional data are needed to prove that conclusively. Therefore, this variant has been classified as Likely Pathogenic. Algorithms developed to predict the effect of sequence changes on RNA splicing suggest that this variant may disrupt the consensus splice site. This variant has not been reported in the literature in individuals affected with RARS2-related conditions. This variant is not present in population databases (gnomAD no frequency). This sequence change affects a donor splice site in intron 16 of the RARS2 gene. It is expected to disrupt RNA splicing. Variants that disrupt the donor or acceptor splice site typically lead to a loss of protein function (PMID: 16199547), and loss-of-function variants in RARS2 are known to be pathogenic (PMID: 17847012, 22569581, 26083569).

Baylor Genetics
Classification: Likely pathogenic for Pontocerebellar hypoplasia type 6. Last evaluated: 2022-09-14. Review status: criteria provided, single submitter. Criteria: ACMG Guidelines, 2015. Collection method: clinical testing. Allele origin: unknown.

Literature cited by the submitters: PubMed 16199547 (cited by Labcorp Genetics (formerly Invitae), Labcorp); PubMed 17847012 (cited by Labcorp Genetics (formerly Invitae), Labcorp); PubMed 22569581 (cited by Labcorp Genetics (formerly Invitae), Labcorp); PubMed 26083569 (cited by Labcorp Genetics (formerly Invitae), Labcorp).